The following is an entry in ClinVar:

NM_004621.6(TRPC6):c.1260G>A (p.Leu420=)

Gene: TRPC6 (transient receptor potential cation channel subfamily C member 6; minus strand). Cytogenetic location: 11q22.1.
Variant type: single nucleotide variant.
Coding change: c.1260G>A on transcript NM_004621.6 (MANE Select); coding-DNA position 1260, G replaced by A.
Protein change: p.Leu420=; no amino-acid change (leucine 420 retained).
Molecular consequence: synonymous variant.
Genome position (GRCh38, 1-based): chr11:101,488,970, C>T on the plus strand (G>A on the coding strand, the complement: TRPC6 is on the minus strand). VCF-style: chr11-101488970-C-T. GRCh37 (hg19) VCF-style: chr11-101359701-C-T.
Identifiers: ClinVar variation 725298 (VCV000725298.12), dbSNP rs138155461, ClinGen allele CA6244365.

ClinVar aggregate classification (germline): Conflicting classifications of pathogenicity. Review status: criteria provided, conflicting classifications (1 of 4 stars). 3 submissions from 3 submitters: Uncertain significance (1); Benign (1). 1 of the submissions does not count toward it. Last evaluated 2025-09-28.

Allele frequency attached by ClinVar (database versions not stated): gnomAD exomes 0.00007 and 0.00016; ExAC 0.00018; ESP Exome Variant Server 0.00062; TOPMed 0.00076; 1000 Genomes Project 30x 0.00078; 1000 Genomes Project 0.00080; gnomAD 0.00082 and 0.00085.
gnomAD v4.1: 224 of 1,614,100 alleles (0.014%); highest among the groups gnomAD compares: African/African-American, 0.28%; no homozygotes.

Submissions (5):

Labcorp Genetics (formerly Invitae), Labcorp
Classification: Benign. Last evaluated: 2025-09-28. Review status: criteria provided, single submitter. Criteria: Invitae Variant Classification Sherloc (09022015). Collection method: clinical testing. Allele origin: germline.

GeneDx
Classification: Uncertain significance. Last evaluated: 2023-10-20. Review status: criteria provided, single submitter. Criteria: GeneDx Variant Classification Process June 2021. Collection method: clinical testing. Allele origin: germline. Affected: yes.
Comment: In silico analysis supports that this variant does not alter splicing; Has not been previously published as pathogenic or benign to our knowledge

Department of Pathology and Laboratory Medicine, Sinai Health System
Classification: Uncertain significance. Review status: no assertion criteria provided. Collection method: clinical testing. Allele origin: unknown. Affected: yes. Study: The Canadian Open Genetics Repository (COGR). Not counted in ClinVar's aggregate classification.
Comment: The TRPC6 p.Leu420Leu variant was not identified in the literature nor was it identified in ClinVar, Cosmic, or LOVD 3.0. The variant was identified in dbSNP (ID: rs138155461) and in control databases in 61 of 282760 chromosomes at a frequency of 0.000216 (Genome Aggregation Database Feb 27, 2017). The variant was observed in the following populations: African in 59 of 24972 chromosomes (freq: 0.002363) and Latino in 2 of 35440 chromosomes (freq: 0.000056); it was not observed in the Ashkenazi Jewish, East Asian, European (Finnish), European (non-Finnish), Other, and South Asian populations. The p.Leu420Leu variant is not expected to have clinical significance because it does not result in a change of amino acid and is not located in a known consensus splice site. The variant occurs outside of the splicing consensus sequence and three of four in silico or computational prediction software programs (SpliceSiteFinder, MaxEntScan, NNSPLICE) predict a creation of a new 3â€šÃ„Ã´ splice site at c.1261. However, this information is not predictive enough to assume pathogenicity. In summary, based on the above information the clinical significance of this variant cannot be determined with certainty at this time. This variant is classified as a variant of uncertain significance.

Dr. Peter K. Rogan Lab, Western University
No classification provided (evidence only). Condition: Cervical cancer. Review status: no classification provided. Collection method: in vitro. Allele origin: not applicable. Functional consequence: retained intron. Not counted in ClinVar's aggregate classification.

Dr. Peter K. Rogan Lab, Western University
No classification provided (evidence only). Condition: Sarcoma. Review status: no classification provided. Collection method: in vitro. Allele origin: not applicable. Functional consequence: retained intron. Not counted in ClinVar's aggregate classification.